The following is an entry in ClinVar:

NM_003072.5(SMARCA4):c.1876A>G (p.Lys626Glu)

Gene: SMARCA4 (SWI/SNF related BAF chromatin remodeling complex subunit ATPase 4; plus strand). Cytogenetic location: 19p13.2.
Variant type: single nucleotide variant.
Coding change: c.1876A>G on transcript NM_003072.5 (MANE Select); coding-DNA position 1876, A replaced by G.
Protein change: p.Lys626Glu; replaces lysine 626 with glutamic acid.
Molecular consequence: missense variant. On other transcripts: non-coding transcript variant (1).
Genome position (GRCh38, 1-based): chr19:11,003,092, A>G. VCF-style: chr19-11003092-A-G. GRCh37 (hg19) VCF-style: chr19-11113768-A-G.
Other names: c.1876A>G, p.Lys626Glu (NM_001128844.3, NM_001128845.2, NM_001128846.2 and 6 more transcripts); short protein forms K626E.
Identifiers: ClinVar variation 1781782 (VCV001781782.2), dbSNP rs2146096731, ClinGen allele CA404051547.
Genomic context (GRCh38, chr19:11,003,092, plus strand): 5'-CTGGACGAGACCAGCCAGATGAGCGACCTCCCGGTGAAGGTGATCCACGTGGAGAGTGGG[A>G]AGATCCTCACAGGCACAGATGCCCCCAAAGCCGGGCAGCTGGAGGCCTGGCTCGAGATGA-3'
Protein context (NP_003063.2, residues 616-636): PVKVIHVESG[Lys626Glu]ILTGTDAPKA

ClinVar aggregate classification (germline): Uncertain significance (1 of 4 stars; one submission).

Conditions:
Hereditary cancer-predisposing syndrome. Also called: Neoplastic Syndromes, Hereditary; Tumor predisposition; Hereditary Cancer Syndrome; Hereditary neoplastic syndrome. Identifiers: Orphanet 140162, MedGen C0027672, MeSH D009386, MONDO:0015356.

Submission:

Ambry Genetics
Classification: Uncertain significance for Hereditary cancer-predisposing syndrome. Last evaluated: 2021-06-18. Review status: criteria provided, single submitter. Criteria: Ambry Variant Classification Scheme 2023. Collection method: clinical testing. Allele origin: germline.
Comment: The p.K626E variant (also known as c.1876A>G), located in coding exon 11 of the SMARCA4 gene, results from an A to G substitution at nucleotide position 1876. The lysine at codon 626 is replaced by glutamic acid, an amino acid with similar properties. Missense and in-frame variants in SMARCA4 are known to cause neurodevelopmental disorders; however, such associations with rhabdoid tumor predisposition syndrome including small cell carcinoma of the ovary-hypercalcemic type (SCCOHT) are exceedingly rare (Kosho T et al. Am J Med Genet C Semin Med Genet. 2014 Sep;166C(3):262-75; Jelinic P et al. Nat Genet. 2014 May;46(5):424-6). This amino acid position is well conserved in available vertebrate species. In addition, this alteration is predicted to be tolerated by in silico analysis. Based on the supporting evidence, the association of this alteration with Coffin-Siris syndrome is unknown; however, the association of this alteration with rhabdoid tumor predisposition syndrome is unlikely.